The following is an entry in ClinVar:

NM_001363711.2(DUOX2):c.3721A>T (p.Ile1241Phe)

Gene: DUOX2 (dual oxidase 2; minus strand). Cytogenetic location: 15q21.1.
Variant type: single nucleotide variant.
Coding change: c.3721A>T on transcript NM_001363711.2 (MANE Select); coding-DNA position 3721, A replaced by T.
Protein change: p.Ile1241Phe; replaces isoleucine 1241 with phenylalanine.
Molecular consequence: missense variant.
Genome position (GRCh38, 1-based): chr15:45,097,364, T>A on the plus strand (A>T on the coding strand, the complement: DUOX2 is on the minus strand). VCF-style: chr15-45097364-T-A. GRCh37 (hg19) VCF-style: chr15-45389562-T-A.
Other names: c.3721A>T, p.Ile1241Phe (NM_014080.5); short protein forms I1241F.
Identifiers: ClinVar variation 2627207 (VCV002627207.4), dbSNP rs1422217875, ClinGen allele CA392255161.

ClinVar aggregate classification (germline): Uncertain significance. Review status: criteria provided, multiple submitters, no conflicts (2 of 4 stars). 3 submissions from 3 submitters: Uncertain significance (3). Last evaluated 2023-09-12.

Conditions:
Thyroid dyshormonogenesis 6 (TDH6). Also called: HYPOTHYROIDISM, CONGENITAL, DUE TO DYSHORMONOGENESIS, 6; THYROID HORMONOGENESIS, GENETIC DEFECT IN, 6; Genetic transient congenital hypothyroidism. Identifiers: Orphanet 226316, Orphanet 95716, MedGen C1846632, MONDO:0011792, OMIM 607200.

Allele frequency attached by ClinVar (database versions not stated): gnomAD exomes below 0.00001; TOPMed below 0.00001.
gnomAD v4.1: 1 of 1,614,238 alleles (0.000062%); highest among the groups gnomAD compares: East Asian, 0.0022%; no homozygotes.

Submissions (3):

Women's Health and Genetics/Laboratory Corporation of America, LabCorp
Classification: Uncertain significance. Last evaluated: 2023-09-12. Review status: criteria provided, single submitter. Criteria: LabCorp Variant Classification Summary - May 2015. Collection method: clinical testing. Allele origin: germline.
Comment: Variant summary: DUOX2 c.3721A>T (p.Ile1241Phe) results in a non-conservative amino acid change in the encoded protein sequence. Three of five in-silico tools predict a damaging effect of the variant on protein function. The variant was absent in 251372 control chromosomes (gnomAD). The available data on variant occurrences in the general population are insufficient to allow any conclusion about variant significance. c.3721A>T has been reported in the literature in individuals affected with congenital hypothyroidism (examples: Long_2018, Yu_2018, Long_2021, and Wang_2021). These report(s) do not provide unequivocal conclusions about association of the variant with Thyroid Dyshormonogenesis 6. To our knowledge, no experimental evidence demonstrating an impact on protein function has been reported. The following publications have been ascertained in the context of this evaluation (PMID: 30022773, 33631011, 30420871, 34539567). No submitters have cited clinical-significance assessments for this variant to ClinVar after 2014. Based on the evidence outlined above, the variant was classified as uncertain significance.

3billion
Classification: Uncertain significance for Thyroid dyshormonogenesis 6. Last evaluated: 2023-08-04. Review status: criteria provided, single submitter. Criteria: ACMG Guidelines, 2015. Collection method: clinical testing. Allele origin: germline. Affected: yes.
Comment: The variant is not observed in the gnomAD v2.1.1 dataset. Predicted Consequence/Location: Missense variant In silico tools predict the variant to alter splicing and produce an abnormal transcript (SpliceAI: 0.60). Same nucleotide change resulting in same amino acid change has been previously reported to be associated with DUOX2 related disorder (PMID: 30022773). However, the evidence of pathogenicity is insufficient at this time. Therefore, this variant is classified as VUS according to the recommendation of ACMG/AMP guideline.

Juno Genomics, Hangzhou Juno Genomics, Inc
Classification: Uncertain significance for Thyroid dyshormonogenesis 6. Review status: criteria provided, single submitter. Criteria: ACMG Guidelines, 2015. Collection method: clinical testing. Allele origin: germline.
Comment: Absent from controls (or at extremely low frequency if recessive) in Genome Aggregation Database.;Multiple lines of computational evidence support a deleterious effect on the gene or gene product.;Patient's phenotype or family history is highly specific for a disease with a single genetic etiology.

Literature cited by the submitters: PubMed 30022773 (cited by Women's Health and Genetics/Laboratory Corporation of America, LabCorp and 3billion); PubMed 34539567 (cited by Women's Health and Genetics/Laboratory Corporation of America, LabCorp); PubMed 33631011 (cited by Women's Health and Genetics/Laboratory Corporation of America, LabCorp); PubMed 30420871 (cited by Women's Health and Genetics/Laboratory Corporation of America, LabCorp).